The following is an entry in ClinVar:

NM_001371928.1(AHDC1):c.3547C>G (p.Arg1183Gly)

Gene: AHDC1 (AT-hook DNA binding motif containing 1; minus strand). Cytogenetic location: 1p36.11.
Variant type: single nucleotide variant.
Coding change: c.3547C>G on transcript NM_001371928.1 (MANE Select); coding-DNA position 3547, C replaced by G.
Protein change: p.Arg1183Gly; replaces arginine 1183 with glycine.
Molecular consequence: missense variant.
Genome position (GRCh38, 1-based): chr1:27,548,569, G>C on the plus strand (C>G on the coding strand, the complement: AHDC1 is on the minus strand). VCF-style: chr1-27548569-G-C. GRCh37 (hg19) VCF-style: chr1-27875080-G-C.
Other names: c.3547C>G, p.Arg1183Gly (NM_001029882.3); c.-497C>G (NM_015699.1); short protein forms R1183G.
Identifiers: ClinVar variation 1805615 (VCV001805615.2), dbSNP rs923632705, ClinGen allele CA339226090.

ClinVar aggregate classification (germline): Likely benign (1 of 4 stars; one submission).

Conditions:
AHDC1-related intellectual disability - obstructive sleep apnea - mild dysmorphism syndrome. Also called: Xia-Gibbs syndrome. Identifiers: Orphanet 412069, MedGen C4014419, MONDO:0014358, OMIM 615829.

gnomAD v4.1: 5 of 1,613,482 alleles (0.00031%); highest among the groups gnomAD compares: South Asian, 0.0011%; no homozygotes.

Submission:

Victorian Clinical Genetics Services, Murdoch Childrens Research Institute
Classification: Likely benign for AHDC1-related intellectual disability - obstructive sleep apnea - mild dysmorphism syndrome. Last evaluated: 2023-12-21. Review status: criteria provided, single submitter. Criteria: ACMG Guidelines, 2015. Collection method: clinical testing. Allele origin: germline. Inheritance: Autosomal dominant inheritance. Affected: yes.
Comment: Based on the classification scheme VCGS_Germline_v1.3.4, this variant is classified as Likely benign. Following criteria are met: 0105 - The mechanism of disease for this gene is not clearly established. However, loss of function and dominant negative are both suggested mechanisms (PMID: 24791903). (I) 0107 - This gene is associated with autosomal dominant disease. (I) 0200 - Variant is predicted to result in a missense amino acid change from arginine to glycine. (I) 0251 - This variant is heterozygous. (I) 0301 - Variant is absent from gnomAD (both v2 and v3). (SP) 0309 - Two alternative amino acid changes at the same position has been observed in gnomAD (v2, v3) (1 heterozygote, 0 homozygotes). (I) 0502 - Missense variant with conflicting in silico predictions and uninformative conservation. (I) 0604 - Variant is not located in an established domain, motif, hotspot or informative constraint region. (I) 0710 - Another missense variant comparable to the one identified in this case has inconclusive previous evidence for pathogenicity. The p.(Arg1183Trp) variant has been reported as a VUS (ClinVar). (I) 0807 - This variant has no previous evidence of pathogenicity. (I) 0905 - No published segregation evidence has been identified for this variant. (I) 1007 - No published functional evidence has been identified for this variant. (I) Legend: (SP) - Supporting pathogenic, (I) - Information, (SB) - Supporting benign

Literature cited by the submitters: PubMed 24791903.